The following is an entry in ClinVar:

ClinVar aggregate classification (germline): Benign/Likely benign. Review status: criteria provided, multiple submitters, no conflicts (2 of 4 stars). 5 submissions from 5 submitters: Benign (1); Likely benign (4). Last evaluated 2025-12-02.

Conditions:
Hereditary diffuse gastric adenocarcinoma (HDGC). Also called: DIFFUSE GASTRIC AND LOBULAR BREAST CANCER SYNDROME. Identifiers: Orphanet 26106, MedGen C1708349, MONDO:0007648, OMIM 137215.
Hereditary cancer-predisposing syndrome. Also called: Neoplastic Syndromes, Hereditary; Hereditary neoplastic syndrome; Hereditary Cancer Syndrome; Tumor predisposition. Identifiers: Orphanet 140162, MedGen C0027672, MeSH D009386, MONDO:0015356.

gnomAD v4.1: 3 of 1,614,232 alleles (0.00019%); highest among the groups gnomAD compares: Middle Eastern, 0.016%; no homozygotes.

Submissions (5):

Labcorp Genetics (formerly Invitae), Labcorp
Classification: Likely benign. Last evaluated: 2025-12-02. Review status: criteria provided, single submitter. Criteria: Invitae Variant Classification Sherloc (09022015). Collection method: clinical testing. Allele origin: germline.

Myriad Genetics, Inc.
Classification: Benign for Hereditary diffuse gastric adenocarcinoma. Last evaluated: 2024-10-10. Review status: criteria provided, single submitter. Criteria: Myriad Autosomal Dominant, Autosomal Recessive and X-Linked Classification Criteria (2023). Collection method: clinical testing. Allele origin: unknown.
Comment: This variant is considered benign. This variant is a silent/synonymous amino acid change and it is not expected to impact splicing.

Blueprint Genetics
Classification: Likely benign. Last evaluated: 2021-12-06. Review status: criteria provided, single submitter. Criteria: ACMG Guidelines, 2015. Collection method: clinical testing. Allele origin: germline.

Ambry Genetics
Classification: Likely benign for Hereditary cancer-predisposing syndrome. Last evaluated: 2021-10-07. Review status: criteria provided, single submitter. Criteria: Ambry Variant Classification Scheme 2023. Collection method: clinical testing. Allele origin: germline.

Breakthrough Genomics
Classification: Likely benign. Review status: criteria provided, single submitter. Criteria: ACMG Guidelines, 2015. Collection method: not provided. Allele origin: germline. Inheritance: Autosomal dominant inheritance. Affected: yes.

NM_001903.5(CTNNA1):c.792A>G (p.Ser264=)

Gene: CTNNA1 (catenin alpha 1; plus strand). Cytogenetic location: 5q31.2.
Variant type: single nucleotide variant.
Coding change: c.792A>G on transcript NM_001903.5 (MANE Select); coding-DNA position 792, A replaced by G.
Protein change: p.Ser264=; no amino-acid change (serine 264 retained).
Molecular consequence: synonymous variant.
Genome position (GRCh38, 1-based): chr5:138,824,733, A>G. VCF-style: chr5-138824733-A-G. GRCh37 (hg19) VCF-style: chr5-138160422-A-G.
Other names: c.792A>G, p.Ser264= (NM_001290307.3, NM_001323982.2, NM_001323983.1 and 3 more transcripts); c.483A>G, p.Ser161= (NM_001290309.3); c.423A>G, p.Ser141= (NM_001290310.3).
Identifiers: ClinVar variation 704129 (VCV000704129.16), dbSNP rs1581168040, ClinGen allele CA446595054.